The following is an entry in ClinVar:

ClinVar aggregate classification (germline): Uncertain significance. Review status: criteria provided, multiple submitters, no conflicts (2 of 4 stars). 2 submissions from 2 submitters: Uncertain significance (2). Last evaluated 2026-01-04.

Conditions:
Colorectal cancer, hereditary nonpolyposis, type 7. Identifiers: Orphanet 144, MedGen C1858380, MONDO:0013725, OMIM 614385.

Allele frequency attached by ClinVar (database versions not stated): gnomAD exomes below 0.00001; gnomAD 0.00001.
gnomAD v4.1: 3 of 1,614,092 alleles (0.00019%); highest among the groups gnomAD compares: East Asian, 0.0067%; no homozygotes.

Submissions (2):

Labcorp Genetics (formerly Invitae), Labcorp
Classification: Uncertain significance for Colorectal cancer, hereditary nonpolyposis, type 7. Last evaluated: 2026-01-04. Review status: criteria provided, single submitter. Criteria: Invitae Variant Classification Sherloc (09022015). Collection method: clinical testing. Allele origin: germline.
Comment: This sequence change replaces cysteine, which is neutral and slightly polar, with arginine, which is basic and polar, at codon 339 of the MLH3 protein (p.Cys339Arg). This variant is present in population databases (no rsID available, gnomAD 0.02%). This variant has not been reported in the literature in individuals affected with MLH3-related conditions. ClinVar contains an entry for this variant (Variation ID: 1062502). An algorithm developed to predict the effect of missense changes on protein structure and function (PolyPhen-2) suggests that this variant is likely to be disruptive. In summary, the available evidence is currently insufficient to determine the role of this variant in disease. Therefore, it has been classified as a Variant of Uncertain Significance.

Ambry Genetics
Classification: Uncertain significance. Last evaluated: 2024-07-02. Review status: criteria provided, single submitter. Criteria: Ambry Variant Classification Scheme 2023. Collection method: clinical testing. Allele origin: germline.
Comment: The p.C339R variant (also known as c.1015T>C), located in coding exon 1 of the MLH3 gene, results from a T to C substitution at nucleotide position 1015. The cysteine at codon 339 is replaced by arginine, an amino acid with highly dissimilar properties. This amino acid position is conserved. In addition, this alteration is predicted to be deleterious by in silico analysis. Since supporting evidence is limited at this time, the clinical significance of this alteration remains unclear.

NM_001040108.2(MLH3):c.1015T>C (p.Cys339Arg)

Gene: MLH3 (mutL homolog 3; minus strand). Cytogenetic location: 14q24.3.
Variant type: single nucleotide variant.
Coding change: c.1015T>C on transcript NM_001040108.2 (MANE Select); coding-DNA position 1015, T replaced by C.
Protein change: p.Cys339Arg; replaces cysteine 339 with arginine.
Molecular consequence: missense variant.
Genome position (GRCh38, 1-based): chr14:75,048,641, A>G on the plus strand (T>C on the coding strand, the complement: MLH3 is on the minus strand). VCF-style: chr14-75048641-A-G. GRCh37 (hg19) VCF-style: chr14-75515344-A-G.
Other names: c.1015T>C, p.Cys339Arg (NM_014381.3); short protein forms C339R.
Identifiers: ClinVar variation 1062502 (VCV001062502.12), dbSNP rs1183691617, ClinGen allele CA390448090.